The following is an entry in ClinVar:

NC_000016.9:g.(?_2110651)_(2115656_?)dup

Gene: TSC2 (TSC complex subunit 2; plus strand). Cytogenetic location: 16p13.3.
Variant type: Duplication.
Identifiers: ClinVar variation 583975 (VCV000583975.8).

ClinVar aggregate classification (germline): Pathogenic (1 of 4 stars; one submission).

Conditions:
Tuberous sclerosis 2 (TSC2). Identifiers: Orphanet 805, MedGen C1860707, MONDO:0013199, OMIM 613254.

Submission:

Labcorp Genetics (formerly Invitae), Labcorp
Classification: Pathogenic for Tuberous sclerosis 2. Last evaluated: 2018-07-17. Review status: criteria provided, single submitter. Criteria: Invitae Variant Classification Sherloc (09022015). Collection method: clinical testing. Allele origin: germline.
Comment: For these reasons, this variant has been classified as Pathogenic. This variant has been observed to be de novo in an individual affected with tuberous sclerosis complex (Invitae). This variant results in a copy number gain of the genomic region encompassing exons 11-16¬†of the TSC2 gene. While the exact position of this variant cannot be determined from this data, sub-genic copy number gains are generally in tandem (PMID: 25640679). This variant would be expected to be in-frame, preserving the integrity of the reading frame.

Literature cited by the submitters: PubMed 25640679.